The following is an entry in ClinVar:

ClinVar aggregate classification (germline): Conflicting classifications of pathogenicity. Review status: criteria provided, conflicting classifications (1 of 4 stars). 2 submissions from 2 submitters: Likely pathogenic (1); Uncertain significance (1). Last evaluated 2024-04-01.

Conditions:
Desbuquois dysplasia 1 (DBQD1). Also called: MICROMELIC DWARFISM WITH VERTEBRAL AND METAPHYSEAL ABNORMALITIES AND ADVANCED CARPOTARSAL OSSIFICATION; DESBUQUOIS DYSPLASIA 1, KIM VARIANT. Identifiers: Orphanet 1425, MedGen C4012146, MONDO:0009629, OMIM 251450.
Epiphyseal dysplasia, multiple, 7. Identifiers: Orphanet 647676, MedGen C4540251, MONDO:0054680, OMIM 617719.

Submissions (2):

Fulgent Genetics
Classification: Likely pathogenic for Desbuquois dysplasia 1; Epiphyseal dysplasia, multiple, 7. Last evaluated: 2024-04-01. Review status: criteria provided, single submitter. Criteria: ACMG Guidelines, 2015. Collection method: clinical testing. Allele origin: germline.

Women's Health and Genetics/Laboratory Corporation of America, LabCorp
Classification: Uncertain significance. Last evaluated: 2024-04-01. Review status: criteria provided, single submitter. Criteria: LabCorp Variant Classification Summary - May 2015. Collection method: clinical testing. Allele origin: germline.
Comment: Variant summary: CANT1 c.340G>A (p.Asp114Asn) results in a conservative amino acid change in the encoded protein sequence. Four of five in-silico tools predict a damaging effect of the variant on protein function. The variant was absent in 251474 control chromosomes (gnomAD). The available data on variant occurrences in the general population are insufficient to allow any conclusion about variant significance. c.340G>A has been reported in the literature in at-least one individual affected with Desbuquois dysplasia 1 (example: Houdayer_2019). These data do not allow any conclusion about variant significance. To our knowledge, no experimental evidence demonstrating an impact on protein function has been reported. The following publication has been ascertained in the context of this evaluation (PMID: 31510824). No submitters have cited clinical-significance assessments for this variant to ClinVar. Based on the evidence outlined above, the variant was classified as uncertain significance.

Literature cited by the submitters: PubMed 31510824 (cited by Women's Health and Genetics/Laboratory Corporation of America, LabCorp).

NM_001159773.2(CANT1):c.340G>A (p.Asp114Asn)

Gene: CANT1 (calcium activated nucleotidase 1; minus strand). Cytogenetic location: 17q25.3.
Variant type: single nucleotide variant.
Coding change: c.340G>A on transcript NM_001159773.2 (MANE Select); coding-DNA position 340, G replaced by A.
Protein change: p.Asp114Asn; replaces aspartic acid 114 with asparagine.
Molecular consequence: missense variant.
Genome position (GRCh38, 1-based): chr17:78,997,283, C>T on the plus strand (G>A on the coding strand, the complement: CANT1 is on the minus strand). VCF-style: chr17-78997283-C-T. GRCh37 (hg19) VCF-style: chr17-76993365-C-T.
Other names: c.340G>A, p.Asp114Asn (NM_001159772.2, NM_138793.4); short protein forms D114N.
Identifiers: ClinVar variation 3251620 (VCV003251620.2), dbSNP rs2509812786.